The following is an entry in ClinVar:

NM_000426.4(LAMA2):c.2052CCT[1] (p.Leu686del)

Gene: LAMA2 (laminin subunit alpha 2; plus strand). Cytogenetic location: 6q22.33.
Variant type: Microsatellite.
Coding change: c.2052CCT[1] on transcript NM_000426.4 (MANE Select); one copy of the 3-base unit CCT starting at c.2052; the reference has two copies in a row; one copy, 3 bases deleted; also written c.2055_2057del.
Protein change: p.Leu686del; deletes leucine 686.
Molecular consequence: inframe deletion.
Genome position (GRCh38, 1-based): chr6:129,252,254-129,252,256, CCT deleted; deleting any 3 consecutive bases within chr6:129,252,250-129,252,256 gives the same sequence; the position shown is the placement nearest the transcript's 3' end. VCF-style (leftmost placement, unchanged base first): chr6-129252249-GTCC-G. GRCh37 (hg19) VCF-style: chr6-129573394-GTCC-G.
Other names: c.2052CCT[1], p.Leu686del (NM_001079823.2); c.2055_2057del (NM_000426.4); short protein forms L686del.
Identifiers: ClinVar variation 4852326 (VCV004852326.1).

ClinVar aggregate classification (germline): Likely pathogenic (1 of 4 stars; one submission).

Conditions:
Merosin deficient congenital muscular dystrophy (MDC1A). Also called: Congenital merosin-deficient muscular dystrophy 1A; Congenital Muscular Dystrophy Type 1A (MDC1A). Identifiers: Orphanet 258, MedGen C1263858, MONDO:0011925, OMIM 607855.

Submission:

Centre for Medical Genetics,  Mumbai
Classification: Likely pathogenic for Merosin deficient congenital muscular dystrophy. Last evaluated: 2026-05-21. Review status: criteria provided, single submitter. Criteria: ACMG Guidelines, 2015. Collection method: provider interpretation. Allele origin: germline. Inheritance: Autosomal recessive inheritance. Affected: yes. Observed: 1 variant allele, 1 heterozygote.
Comment: The variant satisfies PM2 criteria - extremely low frequency in gnomAD population databases. The variant satisfies PM4 criteria - protein length changes resulting from in-frame deletions/insertions in a non-repeat region or a stop-loss variant. Hence, it should be considered as a likely pathogenic variant.

Literature cited by the submitters: PubMed 7550355.